The following is an entry in ClinVar:

ClinVar aggregate classification (germline): Pathogenic (1 of 4 stars; one submission).

Conditions:
Agenesis of the corpus callosum with peripheral neuropathy (ACCPN). Also called: CHARLEVOIX DISEASE; POLYNEUROPATHY, SENSORIMOTOR, WITH OR WITHOUT AGENESIS OF THE CORPUS CALLOSUM; HMSN/ACC; Hereditary Motor and Sensory Neuropathy with Agenesis of the Corpus Callosum. Identifiers: Orphanet 1496, MedGen C0795950, MONDO:0000902, OMIM 218000. Disease mechanism: loss of function.

Submission:

Myriad Genetics, Inc.
Classification: Pathogenic for Agenesis of the corpus callosum with peripheral neuropathy. Last evaluated: 2024-01-30. Review status: criteria provided, single submitter. Criteria: Myriad Autosomal Dominant, Autosomal Recessive and X-Linked Classification Criteria (2023). Collection method: clinical testing. Allele origin: unknown.
Comment: NM_133647.1(SLC12A6):c.2628delT(F876Lfs*7) is expected to be pathogenic in the context of Andermann syndrome. This variant is predicted to lead to an abnormal or absent protein product due to the creation of a premature termination codon in SLC12A6, a gene where loss-of-function variants are known to be pathogenic. Please note: this variant was assessed in the context of healthy population screening.

NM_001365088.1(SLC12A6):c.2628del (p.Phe876fs)

Genes: SLC12A6 (solute carrier family 12 member 6; minus strand), LOC126862097 (P300/CBP strongly-dependent group 1 enhancer GRCh37_chr15:34531007-34532206; plus strand). Cytogenetic location: 15q14.
Variant type: Deletion.
Coding change: c.2628del on transcript NM_001365088.1 (MANE Select); coding-DNA position 2628, one base deleted (T; older notation c.2628delT).
Protein change: p.Phe876fs; shifts the reading frame from phenylalanine 876.
Molecular consequence: frameshift variant.
Genome position (GRCh38, 1-based): chr15:34,238,969, A deleted on the plus strand (T on the coding strand, the reverse complement: SLC12A6 is on the minus strand); the first of 4 consecutive A bases (chr15:34,238,969-34,238,972); deleting any one gives the same sequence. VCF-style (leftmost placement, unchanged base first): chr15-34238968-TA-T. GRCh37 (hg19) VCF-style: chr15-34531169-TA-T.
Other names: c.2451del, p.Phe817fs (NM_001042494.2, NM_001042495.2); c.2601del, p.Phe867fs (NM_001042496.2); c.2583del, p.Phe861fs (NM_001042497.2); c.2475del, p.Phe825fs (NM_005135.2); c.2628del, p.Phe876fs (NM_133647.2); short protein forms F817fs, F825fs, F861fs, F867fs, F876fs.
Identifiers: ClinVar variation 5012697 (VCV005012697.1).
Genomic context (GRCh38, chr15:34,238,968, plus strand): 5'-ATTTAACTATATACCCTCGACTTGGGCCTTTAGGTTTGTATGAGAAATGGTTAGTACCAA[TA>T]AAAGTCTTCCAAGCGCGGGCATCTTCGCTTTGACGCCAGCCATTAGGCCAGCCCATCACC-3'